The following is an entry in ClinVar:

NM_000142.5(FGFR3):c.1345C>T (p.Pro449Ser)

Gene: FGFR3 (fibroblast growth factor receptor 3; plus strand). Cytogenetic location: 4p16.3.
Variant type: single nucleotide variant.
Coding change: c.1345C>T on transcript NM_000142.5 (MANE Select); coding-DNA position 1345, C replaced by T.
Protein change: p.Pro449Ser; replaces proline 449 with serine.
Molecular consequence: missense variant. On other transcripts: non-coding transcript variant (1).
Genome position (GRCh38, 1-based): chr4:1,804,902, C>T. VCF-style: chr4-1804902-C-T. GRCh37 (hg19) VCF-style: chr4-1806629-C-T.
Other names: c.1351C>T, p.Pro451Ser (NM_001163213.2); c.1348C>T, p.Pro450Ser (NM_001354809.2, NM_001354810.2); c.1009C>T, p.Pro337Ser (NM_022965.4); short protein forms P449S, P451S, P337S, P450S.
Identifiers: ClinVar variation 134409 (VCV000134409.67), dbSNP rs61735104, ClinGen allele CA159725.
Genomic context (GRCh38, chr4:1,804,902, plus strand): 5'-GCGTCCATGAGCTCCAACACACCACTGGTGCGCATCGCAAGGCTGTCCTCAGGGGAGGGC[C>T]CCACGCTGGCCAATGTCTCCGAGCTCGAGCTGCCTGCCGACCCCAAATGGGAGCTGTCTC-3'
Protein context (NP_000133.1, residues 439-459): RIARLSSGEG[Pro449Ser]TLANVSELEL

ClinVar aggregate classification (germline): Benign/Likely benign. Review status: criteria provided, multiple submitters, no conflicts (2 of 4 stars). 15 submissions from 15 submitters: Benign (8); Likely benign (6). 1 of the submissions does not count toward it. Last evaluated 2026-09-01.

Conditions:
FGFR3-related chondrodysplasia. Identifiers: Orphanet 93420, MedGen C5681604, MONDO:0019685.
Connective tissue disorder. Also called: Connective tissue disease. Identifiers: MedGen C0009782, MONDO:0003900.
Hypochondroplasia (HCH). Identifiers: Orphanet 429, MedGen C0410529, MONDO:0007793, OMIM 146000. Disease mechanism: gain of function.

Allele frequency attached by ClinVar (database versions not stated): ESP Exome Variant Server 0.00296; 1000 Genomes Project 30x 0.00312; ExAC 0.00327; TOPMed 0.00385; 1000 Genomes Project 0.00419; gnomAD 0.00832 and 0.00867; gnomAD exomes 0.00894.

Submissions (15):

CeGaT Center for Human Genetics Tuebingen
Classification: Likely benign. Last evaluated: 2026-09-01. Review status: criteria provided, single submitter. Criteria: CeGaT Center For Human Genetics Tuebingen Variant Classification Criteria Version 2. Collection method: clinical testing. Allele origin: germline. Affected: yes. Observed: 49 variant alleles.
Comment: FGFR3: BS2

Genomenon, Inc
Classification: Benign for FGFR3-related chondrodysplasia. Last evaluated: 2026-06-23. Review status: criteria provided, single submitter. Criteria: Genomenon Sequence Variant Interpretation Standards - Updated. Collection method: curation. Allele origin: germline. Affected: no.
Comment: FGFR3 p.Pro449Ser (c.1345C>T) is a missense variant that changes the amino acid at codon 449 from Proline to Serine. This variant is present at high allele frequency in population databases. We classify FGFR3 p.Pro449Ser (c.1345C>T) as a benign variant.

Women's Health and Genetics/Laboratory Corporation of America, LabCorp
Classification: Likely benign. Last evaluated: 2026-05-11. Review status: criteria provided, single submitter. Criteria: LabCorp Variant Classification Summary - May 2015. Collection method: clinical testing. Allele origin: germline.

Labcorp Genetics (formerly Invitae), Labcorp
Classification: Benign. Last evaluated: 2026-01-30. Review status: criteria provided, single submitter. Criteria: Invitae Variant Classification Sherloc (09022015). Collection method: clinical testing. Allele origin: germline.

Blueprint Genetics
Classification: Likely benign. Last evaluated: 2024-11-25. Review status: criteria provided, single submitter. Criteria: ACMG Guidelines, 2015. Collection method: clinical testing. Allele origin: germline.

Athena Diagnostics
Classification: Benign. Last evaluated: 2024-09-16. Review status: criteria provided, single submitter. Criteria: Athena Diagnostics Criteria. Collection method: clinical testing. Allele origin: unknown.

ARUP Laboratories, Molecular Genetics and Genomics, ARUP Laboratories
Classification: Benign. Last evaluated: 2024-03-28. Review status: criteria provided, single submitter. Criteria: ARUP Molecular Germline Variant Investigation Process 2024. Collection method: clinical testing. Allele origin: germline.

Mendelics
Classification: Likely benign for Hypochondroplasia. Last evaluated: 2019-05-28. Review status: criteria provided, single submitter. Criteria: Mendelics Assertion Criteria 2017. Collection method: clinical testing. Allele origin: unknown.

Genome Diagnostics Laboratory, The Hospital for Sick Children
Classification: Benign for Connective tissue disorder. Last evaluated: 2018-12-01. Review status: criteria provided, single submitter. Criteria: ACMG Guidelines, 2015. Collection method: clinical testing. Allele origin: germline.

GeneDx
Classification: Benign. Last evaluated: 2017-07-31. Review status: criteria provided, single submitter. Criteria: GeneDx Variant Classification (06012015). Collection method: clinical testing. Allele origin: germline. Affected: yes.
Comment: This variant is considered likely benign or benign based on one or more of the following criteria: it is a conservative change, it occurs at a poorly conserved position in the protein, it is predicted to be benign by multiple in silico algorithms, and/or has population frequency not consistent with disease.

Center for Pediatric Genomic Medicine, Children's Mercy Hospital and Clinics
Classification: Likely benign. Last evaluated: 2016-07-21. Review status: criteria provided, single submitter. Criteria: ACMG Guidelines, 2015. Collection method: clinical testing. Allele origin: germline.
ClinVar note: Converted during submission from Likely Benign to Likely benign.

Eurofins Ntd Llc (ga)
Classification: Benign. Last evaluated: 2015-04-22. Review status: criteria provided, single submitter. Criteria: EGL Classification Definitions 2015. Collection method: clinical testing. Allele origin: germline. Observed: 1 variant allele, 1 heterozygote.

Breakthrough Genomics
Classification: Likely benign. Review status: criteria provided, single submitter. Criteria: ACMG Guidelines, 2015. Collection method: not provided. Allele origin: germline. Inheritance: Autosomal dominant inheritance. Affected: yes.

PreventionGenetics, part of Exact Sciences
Classification: Benign. Review status: criteria provided, single submitter. Criteria: ACMG Guidelines, 2015. Collection method: clinical testing. Allele origin: germline.

ITMI
No classification provided. Condition: AllHighlyPenetrant. Last evaluated: 2013-09-19. Review status: no classification provided. Collection method: reference population. Allele origin: germline. Not counted in ClinVar's aggregate classification.
Comment: Please see associated publication for description of ethnicities

Literature cited by the submitters: PubMed 16912704 (cited by Athena Diagnostics); PubMed 18252861 (cited by Athena Diagnostics); PubMed 24728327 (cited by ITMI).